The following is an entry in ClinVar:

ClinVar aggregate classification (germline): Uncertain significance (1 of 4 stars; one submission).

Allele frequency attached by ClinVar (database versions not stated): gnomAD exomes below 0.00001.

Submission:

GeneDx
Classification: Uncertain significance. Last evaluated: 2019-05-07. Review status: criteria provided, single submitter. Criteria: GeneDx Variant Classification Process June 2021. Collection method: clinical testing. Allele origin: germline. Affected: yes.
Comment: Has not been previously published as pathogenic or benign to our knowledge; Not observed in large population cohorts (Lek et al., 2016); Does not affect a cysteine residue within a calcium-binding EGF-like domain of the FBN1 gene; cysteine substitutions in the calcium-binding EGF-like domains represent the majority of pathogenic missense changes associated with FBN1-related disorders (Collod-Beroud et al., 2003); In silico analysis, which includes protein predictors and evolutionary conservation, supports that this variant does not alter protein structure/function

NM_000138.5(FBN1):c.7021A>G (p.Thr2341Ala)

Gene: FBN1 (fibrillin 1; minus strand). Cytogenetic location: 15q21.1.
Variant type: single nucleotide variant.
Coding change: c.7021A>G on transcript NM_000138.5 (MANE Select); coding-DNA position 7021, A replaced by G.
Protein change: p.Thr2341Ala; replaces threonine 2341 with alanine.
Molecular consequence: missense variant.
Genome position (GRCh38, 1-based): chr15:48,427,750, T>C on the plus strand (A>G on the coding strand, the complement: FBN1 is on the minus strand). VCF-style: chr15-48427750-T-C. GRCh37 (hg19) VCF-style: chr15-48719947-T-C.
Other names: short protein forms T2341A.
Identifiers: ClinVar variation 1305658 (VCV001305658.2), dbSNP rs1566893526, ClinGen allele CA392330319.
Genomic context (GRCh38, chr15:48,427,750, plus strand): 5'-ATTTGGTGACGGGGTTCCTGTTGCTGGAGCCGATCTGACACATGTTTTGTAGCACCTCTG[T>C]GAAGCAGTACCCTTCCCGATTGTCTGGAAGGGACATTATATGGCAAAGGGGATGTCAGGA-3'
Protein context (NP_000129.3, residues 2331-2351): CLDNREGYCF[Thr2341Ala]EVLQNMCQIG